The following is an entry in ClinVar:

NM_000512.5(GALNS):c.759-3C>G

Gene: GALNS (galactosamine (N-acetyl)-6-sulfatase; minus strand). Cytogenetic location: 16q24.3.
Variant type: single nucleotide variant.
Coding change: c.759-3C>G on transcript NM_000512.5 (MANE Select); 3 bases into the intron before coding-DNA position 759, C replaced by G.
Molecular consequence: intron variant.
Genome position (GRCh38, 1-based): chr16:88,835,355, G>C on the plus strand (C>G on the coding strand, the complement: GALNS is on the minus strand). VCF-style: chr16-88835355-G-C. GRCh37 (hg19) VCF-style: chr16-88901763-G-C.
Other names: c.204-3C>G (NM_001323543.2); c.777-3C>G (NM_001323544.2).
Identifiers: ClinVar variation 1048297 (VCV001048297.3), dbSNP rs776430057, ClinGen allele CA8234983.

ClinVar aggregate classification (germline): Uncertain significance (1 of 4 stars; one submission).

Conditions:
Mucopolysaccharidosis, MPS-IV-A (MPS4A). Also called: Mucopolysaccharidosis type IV A; Mucopolysaccharidosis Type IVA; Morquio syndrome A, mild; MORQUIO SYNDROME A; MPS IVA; mucopolysaccharidosis type 4A. Identifiers: Orphanet 309297, Orphanet 582, MedGen C0086651, MONDO:0009659, OMIM 253000.

Allele frequency attached by ClinVar (database versions not stated): gnomAD exomes 0.00001; ExAC 0.00002.

Submission:

Laboratory of Diagnosis and Therapy of Lysosomal Disorders, University of Padova
Classification: Uncertain significance for Mucopolysaccharidosis, MPS-IV-A. Last evaluated: 2021-02-01. Review status: criteria provided, single submitter. Criteria: ACMG Guidelines, 2015. Collection method: curation. Allele origin: germline. Affected: yes.
Comment: In vivo functional studies supportive of a damaging effect on the gene product (low to null enzymatic activity in homozygotes; PS3_supporting); the prevalence of the variant in affected individuals is significantly increased compared with the prevalence in controls (PS4_supporting); very low frequency in gnomAD v2.1.1 (PM2_moderate)

Literature cited by the submitters: PubMed 26147980; PubMed 34387910.